The following is an entry in ClinVar:

ClinVar aggregate classification (germline): Likely benign. Review status: reviewed by expert panel (3 of 4 stars). 2 submissions from 2 submitters: Likely benign (1). 1 of the submissions does not count toward it. Last evaluated 2022-01-22.

Conditions:
Hereditary thrombocytopenia and hematological cancer predisposition syndrome associated with RUNX1. Also called: PLATELET DISORDER, ASPIRIN-LIKE; Familial Platelet Disorder with Propensity to Acute Myelogenous Leukemia; Familial thrombocytopenia with propensity to acute myelogenous leukemia; RUNX1 Familial Platelet Disorder with Associated Myeloid Malignancies. Identifiers: Orphanet 71290, MedGen C1832388, MeSH C563324, MONDO:0100083, OMIM 601399.
Hereditary thrombocytopenia and hematologic cancer predisposition syndrome. Identifiers: Orphanet 71290, MedGen CN281654, MONDO:0011071.

Allele frequency attached by ClinVar (database versions not stated): gnomAD exomes below 0.00001.
gnomAD v4.1: 1 of 1,606,594 alleles (0.000062%); highest among the groups gnomAD compares: Non-Finnish European, 0.000085%; no homozygotes.

Submissions (2):

ClinGen Myeloid Malignancy Variant Curation Expert Panel
Classification: Likely benign for Hereditary thrombocytopenia and hematologic cancer predisposition syndrome. Last evaluated: 2022-01-22. Review status: reviewed by expert panel. Criteria: ClinGen MyeloMalig ACMG Specifications v2. Collection method: curation. Allele origin: germline. Inheritance: Autosomal dominant inheritance.
Comment: This variant NM_001754.5(RUNX1):c.1020C>G (p.Pro340=) is a synonymous variant. As it is a synonymous variant there is no REVEL score but SpliceAI is ≤0.20 (0.00) (BP4). The PhyloP Score is <2.0 (-0.628) (BP7). This variant is completely absent from all population databases with at least 20x coverage for RUNX1 (PM2_supporting). In summary, this variant meets criteria to be classified as likely benign. ACMG/AMP criteria applied, as specified by the Myeloid Malignancy Variant Curation Expert Panel for RUNX1: BP4, BP7, PM2_supporting.

Labcorp Genetics (formerly Invitae), Labcorp
Classification: Likely benign for Hereditary thrombocytopenia and hematological cancer predisposition syndrome associated with RUNX1. Last evaluated: 2021-07-09. Review status: criteria provided, single submitter. Criteria: Invitae Variant Classification Sherloc (09022015). Collection method: clinical testing. Allele origin: germline. Not counted in ClinVar's aggregate classification.

NM_001754.5(RUNX1):c.1020C>G (p.Pro340=)

Gene: RUNX1 (RUNX family transcription factor 1; minus strand). Cytogenetic location: 21q22.12.
Variant type: single nucleotide variant.
Coding change: c.1020C>G on transcript NM_001754.5 (MANE Select); coding-DNA position 1020, C replaced by G.
Protein change: p.Pro340=; no amino-acid change (proline 340 retained).
Molecular consequence: synonymous variant.
Genome position (GRCh38, 1-based): chr21:34,792,558, G>C on the plus strand (C>G on the coding strand, the complement: RUNX1 is on the minus strand). VCF-style: chr21-34792558-G-C. GRCh37 (hg19) VCF-style: chr21-36164855-G-C.
Other names: NM_001754.5(RUNX1):c.1020C>G; p.Pro340=; c.939C>G, p.Pro313= (NM_001001890.3).
Identifiers: ClinVar variation 758049 (VCV000758049.9), dbSNP rs1601333675, ClinGen allele CA512341366.